The following is an entry in ClinVar:

ClinVar aggregate classification (germline): Likely benign (0 of 4 stars; one submission).

Conditions:
PEX12-related disorder. Also called: PEX12-related disorders; PEX12-related condition.

Allele frequency attached by ClinVar (database versions not stated): gnomAD exomes below 0.00001.
gnomAD v4.1: 2 of 1,613,402 alleles (0.00012%); highest among the groups gnomAD compares: Admixed American, 0.0033%; no homozygotes.

Submission:

PreventionGenetics, part of Exact Sciences
Classification: Likely benign for PEX12-related condition. Last evaluated: 2023-10-23. Review status: no assertion criteria provided. Collection method: clinical testing. Allele origin: germline.
Comment: This variant is classified as likely benign based on ACMG/AMP sequence variant interpretation guidelines (Richards et al. 2015 PMID: 25741868, with internal and published modifications).

NM_000286.3(PEX12):c.680+6G>A

Gene: PEX12 (peroxisomal biogenesis factor 12; minus strand). Cytogenetic location: 17q12.
Variant type: single nucleotide variant.
Coding change: c.680+6G>A on transcript NM_000286.3 (MANE Select); 6 bases into the intron after coding-DNA position 680, G replaced by A.
Molecular consequence: intron variant.
Genome position (GRCh38, 1-based): chr17:35,577,032, C>T on the plus strand (G>A on the coding strand, the complement: PEX12 is on the minus strand). VCF-style: chr17-35577032-C-T. GRCh37 (hg19) VCF-style: chr17-33904051-C-T.
Identifiers: ClinVar variation 3045269 (VCV003045269.2), dbSNP rs1342386193, ClinGen allele CA625820416.